The following is an entry in ClinVar:

ClinVar aggregate classification (germline): Likely benign (1 of 4 stars; one submission).

gnomAD v4.1: 15 of 1,614,210 alleles (0.00093%); highest among the groups gnomAD compares: South Asian, 0.012%; no homozygotes.

Submission:

GeneDx
Classification: Likely benign. Last evaluated: 2017-11-20. Review status: criteria provided, single submitter. Criteria: GeneDx Variant Classification (06012015). Collection method: clinical testing. Allele origin: germline. Affected: yes.
Comment: This variant is considered likely benign or benign based on one or more of the following criteria: it is a conservative change, it occurs at a poorly conserved position in the protein, it is predicted to be benign by multiple in silico algorithms, and/or has population frequency not consistent with disease.

NM_030777.4(SLC2A10):c.54T>C (p.Gly18=)

Gene: SLC2A10 (solute carrier family 2 member 10; plus strand). Cytogenetic location: 20q13.12.
Variant type: single nucleotide variant.
Coding change: c.54T>C on transcript NM_030777.4 (MANE Select); coding-DNA position 54, T replaced by C.
Protein change: p.Gly18=; no amino-acid change (glycine 18 retained).
Molecular consequence: synonymous variant.
Genome position (GRCh38, 1-based): chr20:46,725,090, T>C. VCF-style: chr20-46725090-T-C. GRCh37 (hg19) VCF-style: chr20-45353729-T-C.
Identifiers: ClinVar variation 513410 (VCV000513410.1), dbSNP rs772186491, ClinGen allele CA9891905.